The following is an entry in ClinVar:

ClinVar aggregate classification (germline): Uncertain significance. Review status: criteria provided, multiple submitters, no conflicts (2 of 4 stars). 2 submissions from 2 submitters: Uncertain significance (2). Last evaluated 2025-03-31.

Allele frequency attached by ClinVar (database versions not stated): gnomAD exomes 0.00016 and 0.00029; gnomAD 0.00013 and 0.00014; ExAC 0.00021; TOPMed 0.00010; ESP Exome Variant Server 0.00015.
gnomAD v4.1: 437 of 1,613,970 alleles (0.027%); highest among the groups gnomAD compares: Non-Finnish European, 0.035%; no homozygotes.

Submissions (2):

Ambry Genetics
Classification: Uncertain significance. Last evaluated: 2025-03-31. Review status: criteria provided, single submitter. Criteria: Ambry Variant Classification Scheme 2023. Collection method: clinical testing. Allele origin: germline.

Labcorp Genetics (formerly Invitae), Labcorp
Classification: Uncertain significance. Last evaluated: 2022-06-20. Review status: criteria provided, single submitter. Criteria: Invitae Variant Classification Sherloc (09022015). Collection method: clinical testing. Allele origin: germline.
Comment: This sequence change replaces glutamic acid, which is acidic and polar, with lysine, which is basic and polar, at codon 369 of the CLCC1 protein (p.Glu369Lys). This variant is present in population databases (rs201574326, gnomAD 0.03%). This variant has not been reported in the literature in individuals affected with CLCC1-related conditions. ClinVar contains an entry for this variant (Variation ID: 933355). Algorithms developed to predict the effect of missense changes on protein structure and function (SIFT, PolyPhen-2, Align-GVGD) all suggest that this variant is likely to be tolerated. In summary, the available evidence is currently insufficient to determine the role of this variant in disease. Therefore, it has been classified as a Variant of Uncertain Significance.

NM_001377458.1(CLCC1):c.1105G>A (p.Glu369Lys)

Gene: CLCC1 (chloride channel CLIC like 1; minus strand). Cytogenetic location: 1p13.3.
Variant type: single nucleotide variant.
Coding change: c.1105G>A on transcript NM_001377458.1 (MANE Select); coding-DNA position 1105, G replaced by A.
Protein change: p.Glu369Lys; replaces glutamic acid 369 with lysine.
Molecular consequence: missense variant. On other transcripts: non-coding transcript variant (1).
Genome position (GRCh38, 1-based): chr1:108,937,355, C>T on the plus strand (G>A on the coding strand, the complement: CLCC1 is on the minus strand). VCF-style: chr1-108937355-C-T. GRCh37 (hg19) VCF-style: chr1-109479977-C-T.
Other names: c.1105G>A, p.Glu369Lys (NM_001048210.3, NM_001377459.1, NM_001377460.1 and 8 more transcripts); c.742G>A, p.Glu248Lys (NM_001278202.2); c.550G>A, p.Glu184Lys (NM_001278203.1); c.1003G>A, p.Glu335Lys (NM_001377469.1); c.814G>A, p.Glu272Lys (NM_001377470.1); c.955G>A, p.Glu319Lys (NM_015127.5); c.1105G>A (NM_001048210.1); short protein forms E319K, E184K, E369K, E272K, E248K, E335K.
Identifiers: ClinVar variation 933355 (VCV000933355.6), dbSNP rs201574326, ClinGen allele CA983393.
Genomic context (GRCh38, chr1:108,937,355, plus strand): 5'-GTCTATAATCAATTTCCTCCTGCCGTCTTCTATCCCGTGGCCGAAGTGCCTGGGGAGGTT[C>T]GCTCTCAGGACCGCCTATATGTCTCAGCACATGAACTGATTTTCCAGCACCATAGCAGAA-3'
Protein context (NP_001364387.1, residues 359-379): VLRHIGGPES[Glu369Lys]PPQALRPRDR